The following is an entry in ClinVar:

ClinVar aggregate classification (germline): Pathogenic/Likely pathogenic. Review status: criteria provided, multiple submitters, no conflicts (2 of 4 stars). 3 submissions from 3 submitters: Pathogenic (2); Likely pathogenic (1). Last evaluated 2025-01-25.

Conditions:
Inborn genetic diseases. Identifiers: MedGen C0950123, MeSH D030342.
Progressive sclerosing poliodystrophy (MTDPS4A). Also called: ALPERS PROGRESSIVE INFANTILE POLIODYSTROPHY; NEURONAL DEGENERATION OF CHILDHOOD WITH LIVER DISEASE, PROGRESSIVE; Alpers-Huttenlocher Syndrome (AHS); Alpers Syndrome; Mitochondrial DNA Depletion Syndrome 4A; ALPERS DIFFUSE DEGENERATION OF CEREBRAL GRAY MATTER WITH HEPATIC CIRRHOSIS. Identifiers: Orphanet 726, MedGen C0205710, MONDO:0008758, OMIM 203700.

Submissions (3):

GeneDx
Classification: Likely pathogenic. Last evaluated: 2025-01-25. Review status: criteria provided, single submitter. Criteria: GeneDx Variant Classification Process June 2021. Collection method: clinical testing. Allele origin: germline. Affected: yes.
Comment: Nonsense variant predicted to result in protein truncation or nonsense mediated decay in a gene for which loss of function is a known mechanism of disease; Not observed at significant frequency in large population cohorts (gnomAD); Has not been previously published as pathogenic or benign to our knowledge

Labcorp Genetics (formerly Invitae), Labcorp
Classification: Pathogenic for Progressive sclerosing poliodystrophy. Last evaluated: 2023-01-21. Review status: criteria provided, single submitter. Criteria: Invitae Variant Classification Sherloc (09022015). Collection method: clinical testing. Allele origin: germline.
Comment: For these reasons, this variant has been classified as Pathogenic. ClinVar contains an entry for this variant (Variation ID: 372622). This variant has not been reported in the literature in individuals affected with POLG-related conditions. This variant is not present in population databases (gnomAD no frequency). This sequence change creates a premature translational stop signal (p.Gln137*) in the POLG gene. It is expected to result in an absent or disrupted protein product. Loss-of-function variants in POLG are known to be pathogenic (PMID: 18546365).

Ambry Genetics
Classification: Pathogenic for Inborn genetic diseases. Last evaluated: 2018-02-01. Review status: criteria provided, single submitter. Criteria: Ambry Variant Classification Scheme 2023. Collection method: clinical testing. Allele origin: germline.
Comment: The p.Q137* pathogenic mutation (also known as c.409C>T), located in coding exon 1 of the POLG gene, results from a C to T substitution at nucleotide position 409. This changes the amino acid from a glutamine to a stop codon within coding exon 1. This alteration is expected to result in loss of function by premature protein truncation or nonsense-mediated mRNA decay. As such, this alteration is interpreted as a disease-causing mutation.

Literature cited by the submitters: PubMed 18546365 (cited by Labcorp Genetics (formerly Invitae), Labcorp).

NM_002693.3(POLG):c.409C>T (p.Gln137Ter)

Genes: POLG (DNA polymerase gamma, catalytic subunit; minus strand), POLGARF (POLG alternative reading frame; minus strand). Cytogenetic location: 15q26.1.
Variant type: single nucleotide variant.
Coding change: c.409C>T on transcript NM_002693.3 (MANE Select); coding-DNA position 409, C replaced by T.
Protein change: p.Gln137Ter; replaces glutamine 137 with a stop codon.
Molecular consequence: nonsense.
Genome position (GRCh38, 1-based): chr15:89,333,346, G>A on the plus strand (C>T on the coding strand, the complement: POLG is on the minus strand). VCF-style: chr15-89333346-G-A. GRCh37 (hg19) VCF-style: chr15-89876577-G-A.
Other names: c.409C>T, p.Gln137Ter (NM_001126131.2); short protein forms Q137*.
Identifiers: ClinVar variation 372622 (VCV000372622.11), dbSNP rs1057517891, ClinGen allele CA16042970.